The following is an entry in ClinVar:

ClinVar aggregate classification (germline): Benign (0 of 4 stars; one submission).

Conditions:
QRICH2-related disorder. Also called: QRICH2-related condition.

Allele frequency attached by ClinVar (database versions not stated): TOPMed 0.00008; gnomAD 0.00061; ExAC 0.00246; 1000 Genomes Project 30x 0.00422; 1000 Genomes Project 0.00439.
gnomAD v4.1: 1,762 of 1,614,032 alleles (0.11%); highest among the groups gnomAD compares: South Asian, 1.9%; 24 homozygotes.

Submission:

PreventionGenetics, part of Exact Sciences
Classification: Benign for QRICH2-related condition. Last evaluated: 2019-05-28. Review status: no assertion criteria provided. Collection method: clinical testing. Allele origin: germline.
Comment: This variant is classified as benign based on ACMG/AMP sequence variant interpretation guidelines (Richards et al. 2015 PMID: 25741868, with internal and published modifications).

NM_001388453.1(QRICH2):c.3667G>A (p.Gly1223Ser)

Gene: QRICH2 (glutamine rich 2; minus strand). Cytogenetic location: 17q25.1.
Variant type: single nucleotide variant.
Coding change: c.3667G>A on transcript NM_001388453.1 (MANE Select); coding-DNA position 3667, G replaced by A.
Protein change: p.Gly1223Ser; replaces glycine 1223 with serine.
Molecular consequence: missense variant.
Genome position (GRCh38, 1-based): chr17:76,291,060, C>T on the plus strand (G>A on the coding strand, the complement: QRICH2 is on the minus strand). VCF-style: chr17-76291060-C-T. GRCh37 (hg19) VCF-style: chr17-74287141-C-T.
Other names: c.3667G>A, p.Gly1223Ser (NM_032134.3); short protein forms G1223S.
Identifiers: ClinVar variation 3039623 (VCV003039623.2), dbSNP rs534979094, ClinGen allele CA8783785.